The following is an entry in ClinVar:

NM_001378454.1(ALMS1):c.7129A>G (p.Thr2377Ala)

Gene: ALMS1 (ALMS1 centrosome and basal body associated protein; plus strand). Cytogenetic location: 2p13.1.
Variant type: single nucleotide variant.
Coding change: c.7129A>G on transcript NM_001378454.1 (MANE Select); coding-DNA position 7129, A replaced by G.
Protein change: p.Thr2377Ala; replaces threonine 2377 with alanine.
Molecular consequence: missense variant.
Genome position (GRCh38, 1-based): chr2:73,453,656, A>G. VCF-style: chr2-73453656-A-G. GRCh37 (hg19) VCF-style: chr2-73680783-A-G.
Other names: c.7132A>G, p.Thr2378Ala (NM_015120.4); short protein forms T2378A, T2377A.
Identifiers: ClinVar variation 4993134 (VCV004993134.1).

ClinVar aggregate classification (germline): Uncertain significance (1 of 4 stars; one submission).

Conditions:
ALMS1-related disorder. Also called: ALMS1-related condition.

Submission:

PreventionGenetics, part of Exact Sciences
Classification: Uncertain significance for ALMS1-related condition. Last evaluated: 2026-07-07. Review status: criteria provided, single submitter. Criteria: ACMG Guidelines, 2015. Collection method: clinical testing. Allele origin: germline.
Comment: The ALMS1 c.7132A>G variant is predicted to result in the amino acid substitution p.Arg2378Gly. To our knowledge, this variant has not been reported in the literature or in a large population database (gnomAD), indicating this variant is rare. At this time, the clinical significance of this variant is uncertain due to the absence of conclusive functional and genetic evidence.